The following is an entry in ClinVar:

ClinVar aggregate classification (germline): Uncertain significance (1 of 4 stars; one submission).

Allele frequency attached by ClinVar (database versions not stated): gnomAD exomes below 0.00001; ExAC 0.00001; ESP Exome Variant Server 0.00008.
gnomAD v4.1: 1 of 1,613,752 alleles (0.000062%); highest among the groups gnomAD compares: African/African-American, 0.0013%; no homozygotes.

Submission:

Labcorp Genetics (formerly Invitae), Labcorp
Classification: Uncertain significance. Last evaluated: 2022-08-09. Review status: criteria provided, single submitter. Criteria: Invitae Variant Classification Sherloc (09022015). Collection method: clinical testing. Allele origin: germline.
Comment: This sequence change replaces asparagine, which is neutral and polar, with serine, which is neutral and polar, at codon 337 of the COL7A1 protein (p.Asn337Ser). This variant is present in population databases (rs374780340, gnomAD 0.007%). This variant has not been reported in the literature in individuals affected with COL7A1-related conditions. ClinVar contains an entry for this variant (Variation ID: 1484808). Advanced modeling of protein sequence and biophysical properties (such as structural, functional, and spatial information, amino acid conservation, physicochemical variation, residue mobility, and thermodynamic stability) performed at Invitae indicates that this missense variant is not expected to disrupt COL7A1 protein function. In summary, the available evidence is currently insufficient to determine the role of this variant in disease. Therefore, it has been classified as a Variant of Uncertain Significance.

NM_000094.4(COL7A1):c.1010A>G (p.Asn337Ser)

Gene: COL7A1 (collagen type VII alpha 1 chain; minus strand). Cytogenetic location: 3p21.31.
Variant type: single nucleotide variant.
Coding change: c.1010A>G on transcript NM_000094.4 (MANE Select); coding-DNA position 1010, A replaced by G.
Protein change: p.Asn337Ser; replaces asparagine 337 with serine.
Molecular consequence: missense variant.
Genome position (GRCh38, 1-based): chr3:48,592,434, T>C on the plus strand (A>G on the coding strand, the complement: COL7A1 is on the minus strand). VCF-style: chr3-48592434-T-C. GRCh37 (hg19) VCF-style: chr3-48629867-T-C.
Other names: short protein forms N337S.
Identifiers: ClinVar variation 1484808 (VCV001484808.3), dbSNP rs374780340, ClinGen allele CA2381362.
Genomic context (GRCh38, chr3:48,592,434, plus strand): 5'-CGGTAGCCAGTGGCACCTGGCACACTCCGCCAGGCCACCAGGAGGCTGTGGGCTGTGGTA[T>C]TCTGGATGGTCAGTTCCGGCCCTTCTAGGGCAGCTGGGGGAGAGTCCCACCAGGGATTCA-3'
Protein context (NP_000085.1, residues 327-347): ALEGPELTIQ[Asn337Ser]TTAHSLLVAW